The following is an entry in ClinVar:

ClinVar aggregate classification (germline): Likely benign. Review status: criteria provided, multiple submitters, no conflicts (2 of 4 stars). 5 submissions from 5 submitters: Likely benign (4). 1 of the submissions does not count toward it. Last evaluated 2026-04-01.

Conditions:
ARID1B-Related Disorder. Identifiers: MedGen CN381337.

Allele frequency attached by ClinVar (database versions not stated): gnomAD 0.00002 and 0.00003; TOPMed 0.00002; gnomAD exomes 0.00003 and 0.00004; ExAC 0.00004; ESP Exome Variant Server 0.00008.
gnomAD v4.1: 50 of 1,613,802 alleles (0.0031%); highest among the groups gnomAD compares: East Asian, 0.013%; no homozygotes.

Submissions (5):

CeGaT Center for Human Genetics Tuebingen
Classification: Likely benign. Last evaluated: 2026-04-01. Review status: criteria provided, single submitter. Criteria: CeGaT Center For Human Genetics Tuebingen Variant Classification Criteria Version 2. Collection method: clinical testing. Allele origin: germline. Affected: yes. Observed: 1 variant allele.
Comment: ARID1B: BP4, BP7

Labcorp Genetics (formerly Invitae), Labcorp
Classification: Likely benign. Last evaluated: 2025-10-13. Review status: criteria provided, single submitter. Criteria: Invitae Variant Classification Sherloc (09022015). Collection method: clinical testing. Allele origin: germline.

Blueprint Genetics
Classification: Likely benign. Last evaluated: 2024-08-30. Review status: criteria provided, single submitter. Criteria: ACMG Guidelines, 2015. Collection method: clinical testing. Allele origin: germline.

GeneDx
Classification: Likely benign. Last evaluated: 2020-09-01. Review status: criteria provided, single submitter. Criteria: GeneDx Variant Classification Process June 2021. Collection method: clinical testing. Allele origin: germline. Affected: yes.

PreventionGenetics, part of Exact Sciences
Classification: Likely benign for ARID1B-related condition. Last evaluated: 2019-06-25. Review status: no assertion criteria provided. Collection method: clinical testing. Allele origin: germline. Not counted in ClinVar's aggregate classification.
Comment: This variant is classified as likely benign based on ACMG/AMP sequence variant interpretation guidelines (Richards et al. 2015 PMID: 25741868, with internal and published modifications).

NM_001374828.1(ARID1B):c.4701G>A (p.Pro1567=)

Gene: ARID1B (AT-rich interaction domain 1B; plus strand). Cytogenetic location: 6q25.3.
Variant type: single nucleotide variant.
Coding change: c.4701G>A on transcript NM_001374828.1 (MANE Select); coding-DNA position 4701, G replaced by A.
Protein change: p.Pro1567=; no amino-acid change (proline 1567 retained).
Molecular consequence: synonymous variant.
Genome position (GRCh38, 1-based): chr6:157,200,926, G>A. VCF-style: chr6-157200926-G-A. GRCh37 (hg19) VCF-style: chr6-157522060-G-A.
Other names: c.4332G>A (NM_020732.3); c.2202G>A, p.Pro734= (NM_001363725.2); c.4581G>A, p.Pro1527= (NM_001371656.1, NM_001374820.1); c.4542G>A, p.Pro1514= (NM_017519.3).
Identifiers: ClinVar variation 1208254 (VCV001208254.13), dbSNP rs373191607, ClinGen allele CA4067688.